The following continues an entry in ClinVar:

NM_000059.4(BRCA2):c.8063T>C (p.Leu2688Pro)

Gene: BRCA2. ClinVar aggregate classification (germline): Pathogenic/Likely pathogenic. Pathogenic (3); Likely pathogenic (5).

Submissions 8 to 10 of 10:

Cancer Variant Interpretation Group UK, Institute of Cancer Research, London
Classification: Pathogenic for Hereditary Breast and Ovarian Cancer. Last evaluated: 2018-10-31. Review status: criteria provided, single submitter. Criteria: ACMG Guidelines, 2015. Collection method: clinical testing. Allele origin: germline. Affected: yes. Observed: 2 variant alleles.
Comment: Data used in classification. The variant was observed in 2 independent UK families undergoing clinical diagnostic testing of BRCA1/BRCA2 for HBOC, the denominator of which dataset of clinical testing was 16,600. Case control comparison against ethnically matched population data (2/16,600 in familial cases against 0/63,369 GNOMAD NFE controls) 2-sided Fishers exact: pexact= 0.043 (PS4). The variant is absent in the remainder of the GNOMAD populations (75,263 individuals). (PM2). Predicted deleterious on AlignGVGD, SIFT, Polyphen2 HumVar (PP3). Segregation demonstrated in one UK family, N<1/16 (PP1_mod). P>0.99 on HR assay as detailed in Guidugli et al 2012 (Couch laboratory), which has demonstrated full validation against genetic epidemiological data of clinical pathogicity (PS3). Classified as pathogenic by Ambry and Quest Diagnostics (PP5). Data not used in classification. An additional 2 families have been identified in the UK (not included in the previous dataset).There are 5 additional reports of this variant on ClinVar.

Sharing Clinical Reports Project (SCRP)
Classification: Uncertain significance for Breast-ovarian cancer, familial 2. Last evaluated: 2006-08-15. Review status: no assertion criteria provided. Collection method: clinical testing. Allele origin: germline. Not counted in ClinVar's aggregate classification.

Breast Cancer Information Core (BIC) (BRCA2)
Classification: Uncertain significance for Breast-ovarian cancer, familial 2. Last evaluated: 2002-05-29. Review status: no assertion criteria provided. Collection method: clinical testing. Allele origin: germline. Affected: yes. Observed: 3 variant alleles. Not counted in ClinVar's aggregate classification.

Literature cited by the submitters: PubMed 10923033 (cited by Labcorp Genetics (formerly Invitae), Labcorp); PubMed 33609447 (cited by Labcorp Genetics (formerly Invitae), Labcorp and Color Diagnostics, LLC DBA Color Health); PubMed 23108138 (cited by 5 submitters); PubMed 29394989 (cited by Labcorp Genetics (formerly Invitae), Labcorp and Quest Diagnostics Nichols Institute San Juan Capistrano); PubMed 30696104 (cited by 3 submitters); PubMed 32444794 (cited by 3 submitters); PubMed 33964450 (cited by Labcorp Genetics (formerly Invitae), Labcorp); PubMed 24323938 (cited by Color Diagnostics, LLC DBA Color Health and Quest Diagnostics Nichols Institute San Juan Capistrano); PubMed 29988080 (cited by 5 submitters); PubMed 19043619 (cited by Ambry Genetics and Quest Diagnostics Nichols Institute San Juan Capistrano); PubMed 29884841 (cited by Ambry Genetics and Women's Health and Genetics/Laboratory Corporation of America, LabCorp); PubMed 26295337 (cited by Quest Diagnostics Nichols Institute San Juan Capistrano); PubMed 20167696 (cited by Women's Health and Genetics/Laboratory Corporation of America, LabCorp).